The following is an entry in ClinVar:

NM_012186.3(FOXE3):c.587G>C (p.Gly196Ala)

Genes: FOXE3 (forkhead box E3; plus strand), LINC01389 (long independently transcribed non-coding RNA 1389; minus strand). Cytogenetic location: 1p33.
Variant type: single nucleotide variant.
Coding change: c.587G>C on transcript NM_012186.3 (MANE Select); coding-DNA position 587, G replaced by C.
Protein change: p.Gly196Ala; replaces glycine 196 with alanine.
Molecular consequence: missense variant.
Genome position (GRCh38, 1-based): chr1:47,416,902, G>C. VCF-style: chr1-47416902-G-C. GRCh37 (hg19) VCF-style: chr1-47882574-G-C.
Other names: short protein forms G196A.
Identifiers: ClinVar variation 468250 (VCV000468250.48), dbSNP rs281865461, ClinGen allele CA843002.

ClinVar aggregate classification (germline): Benign/Likely benign. Review status: criteria provided, multiple submitters, no conflicts (2 of 4 stars). 12 submissions from 12 submitters: Benign (3); Likely benign (5). 4 of the submissions do not count toward it. Last evaluated 2026-06-01.

Conditions:
Congenital primary aphakia. Also called: Anterior segment dysgenesis 2, multiple subtypes; ANTERIOR SEGMENT DYSGENESIS 2. Identifiers: Orphanet 83461, MedGen C1853230, MONDO:0012456, OMIM 610256.
Anterior segment dysgenesis. Also called: Ocular anterior segment dysgenesis. Identifiers: Orphanet 88632, MedGen C1862839, MONDO:0019503, HP:0007700.
Cardiovascular phenotype. Identifiers: MedGen CN230736.
Familial thoracic aortic aneurysm and aortic dissection (TAAD). Also called: Thoracic aortic aneurysms and dissections. Identifiers: Orphanet 91387, MedGen C4707243, MONDO:0019625.

Allele frequency attached by ClinVar (database versions not stated): ExAC 0.00152; 1000 Genomes Project 0.00180; 1000 Genomes Project 30x 0.00281; TOPMed 0.00354; gnomAD 0.00444 and 0.00458; gnomAD exomes 0.00644.

Submissions (12):

CeGaT Center for Human Genetics Tuebingen
Classification: Likely benign. Last evaluated: 2026-06-01. Review status: criteria provided, single submitter. Criteria: CeGaT Center For Human Genetics Tuebingen Variant Classification Criteria Version 2. Collection method: clinical testing. Allele origin: germline. Affected: yes. Observed: 2 variant alleles.
Comment: FOXE3: BS2

Labcorp Genetics (formerly Invitae), Labcorp
Classification: Benign for Anterior segment dysgenesis; Congenital primary aphakia. Last evaluated: 2026-02-02. Review status: criteria provided, single submitter. Criteria: Invitae Variant Classification Sherloc (09022015). Collection method: clinical testing. Allele origin: germline.

Blueprint Genetics
Classification: Likely benign. Last evaluated: 2024-11-23. Review status: criteria provided, single submitter. Criteria: ACMG Guidelines, 2015. Collection method: clinical testing. Allele origin: germline.

ARUP Laboratories, Molecular Genetics and Genomics, ARUP Laboratories
Classification: Likely benign. Last evaluated: 2024-10-14. Review status: criteria provided, single submitter. Criteria: ARUP Molecular Germline Variant Investigation Process 2024. Collection method: clinical testing. Allele origin: germline.

Women's Health and Genetics/Laboratory Corporation of America, LabCorp
Classification: Likely benign. Last evaluated: 2023-07-21. Review status: criteria provided, single submitter. Criteria: LabCorp Variant Classification Summary - May 2015. Collection method: clinical testing. Allele origin: germline.

CHEO Genetics Diagnostic Laboratory, Children's Hospital of Eastern Ontario
Classification: Benign for Familial thoracic aortic aneurysm and aortic dissection. Last evaluated: 2023-01-25. Review status: criteria provided, single submitter. Criteria: ACMG Guidelines, 2015. Collection method: clinical testing. Allele origin: germline.

GeneDx
Classification: Likely benign. Last evaluated: 2021-05-24. Review status: criteria provided, single submitter. Criteria: GeneDx Variant Classification Process June 2021. Collection method: clinical testing. Allele origin: germline. Affected: yes.
Comment: This variant is associated with the following publications: (PMID: 11159941, 26854927)

Ambry Genetics
Classification: Benign for Cardiovascular phenotype. Last evaluated: 2019-02-16. Review status: criteria provided, single submitter. Criteria: Ambry Variant Classification Scheme 2023. Collection method: clinical testing. Allele origin: germline.

Clinical Genetics DNA and cytogenetics Diagnostics Lab, Erasmus MC, Erasmus Medical Center
Classification: Likely benign. Review status: no assertion criteria provided. Collection method: clinical testing. Allele origin: germline. Affected: yes. Study: VKGL Data-share Consensus. Not counted in ClinVar's aggregate classification.

Clinical Genetics, Academic Medical Center
Classification: Benign. Review status: no assertion criteria provided. Collection method: clinical testing. Allele origin: germline. Affected: yes. Study: VKGL Data-share Consensus. Not counted in ClinVar's aggregate classification.

Genome Diagnostics Laboratory, Amsterdam University Medical Center
Classification: Benign. Review status: no assertion criteria provided. Collection method: clinical testing. Allele origin: germline. Affected: yes. Study: VKGL Data-share Consensus. Not counted in ClinVar's aggregate classification.

Laboratory of Diagnostic Genome Analysis, Leiden University Medical Center (LUMC)
Classification: Likely benign. Review status: no assertion criteria provided. Collection method: clinical testing. Allele origin: germline. Affected: yes. Study: VKGL Data-share Consensus. Not counted in ClinVar's aggregate classification.